The following is an entry in ClinVar:

ClinVar aggregate classification (germline): Uncertain significance (1 of 4 stars; one submission).

Conditions:
Hypertrophic cardiomyopathy. Also called: HYPERTROPHIC MYOCARDIOPATHY. Identifiers: Orphanet 217569, MedGen C0007194, MeSH D002312, MONDO:0005045, HP:0001639.

Allele frequency attached by ClinVar (database versions not stated): TOPMed 0.00001; gnomAD 0.00002; gnomAD exomes 0.00005.
gnomAD v4.1: 70 of 1,613,700 alleles (0.0043%); highest among the groups gnomAD compares: Non-Finnish European, 0.0059%; no homozygotes.

Submission:

Labcorp Genetics (formerly Invitae), Labcorp
Classification: Uncertain significance for Hypertrophic cardiomyopathy. Last evaluated: 2024-12-13. Review status: criteria provided, single submitter. Criteria: Invitae Variant Classification Sherloc (09022015). Collection method: clinical testing. Allele origin: germline.
Comment: This sequence change replaces aspartic acid, which is acidic and polar, with tyrosine, which is neutral and polar, at codon 1199 of the MYOM1 protein (p.Asp1199Tyr). This variant is present in population databases (no rsID available, gnomAD 0.003%). This variant has not been reported in the literature in individuals affected with MYOM1-related conditions. ClinVar contains an entry for this variant (Variation ID: 2414554). Invitae Evidence Modeling of protein sequence and biophysical properties (such as structural, functional, and spatial information, amino acid conservation, physicochemical variation, residue mobility, and thermodynamic stability) indicates that this missense variant is not expected to disrupt MYOM1 protein function with a negative predictive value of 80%. In summary, the available evidence is currently insufficient to determine the role of this variant in disease. Therefore, it has been classified as a Variant of Uncertain Significance.

NM_003803.4(MYOM1):c.3595G>T (p.Asp1199Tyr)

Gene: MYOM1 (myomesin 1; minus strand). Cytogenetic location: 18p11.31.
Variant type: single nucleotide variant.
Coding change: c.3595G>T on transcript NM_003803.4 (MANE Select); coding-DNA position 3595, G replaced by T.
Protein change: p.Asp1199Tyr; replaces aspartic acid 1199 with tyrosine.
Molecular consequence: missense variant.
Genome position (GRCh38, 1-based): chr18:3,100,407, C>A on the plus strand (G>T on the coding strand, the complement: MYOM1 is on the minus strand). VCF-style: chr18-3100407-C-A. GRCh37 (hg19) VCF-style: chr18-3100405-C-A.
Other names: c.3307G>T, p.Asp1103Tyr (NM_019856.2); short protein forms D1103Y, D1199Y.
Identifiers: ClinVar variation 2414554 (VCV002414554.6), dbSNP rs901853136, ClinGen allele CA295497713.
Genomic context (GRCh38, chr18:3,100,407, plus strand): 5'-CTATTCCATCAGTGTCTGTTACATCGCAAGAGTAAATACCCAAGTCATCCATCCCAAGGT[C>A]TTTGAAGGTCATTTTCGTCCTTCGGAACAAAATATTTTTCTTAGAAATGAGGCTGTGTGG-3'
Protein context (NP_003794.3, residues 1189-1209): KGNKTKMTFK[Asp1199Tyr]LGMDDLGIYS